The following is an entry in ClinVar:

ClinVar aggregate classification (germline): Benign. Review status: criteria provided, multiple submitters, no conflicts (2 of 4 stars). 12 submissions from 12 submitters: Benign (7). 5 of the submissions do not count toward it. Last evaluated 2026-02-04.

Conditions:
MAPT-Related Spectrum Disorders.
Frontotemporal dementia (FTD1). Also called: Frontotemporal Dementia with Parkinsonism-17 (FTDP-17); FRONTOTEMPORAL DEMENTIA WITH PARKINSONISM; FRONTOTEMPORAL LOBE DEMENTIA; MULTIPLE SYSTEM TAUOPATHY WITH PRESENILE DEMENTIA; Dementia, frontotemporal, with or without parkinsonism; WILHELMSEN-LYNCH DISEASE. Identifiers: Orphanet 282, MedGen C0338451, MONDO:0017276, OMIM 600274, HP:0002145.

Allele frequency attached by ClinVar (database versions not stated): 1000 Genomes Project 30x 0.08479; 1000 Genomes Project 0.08566; gnomAD 0.12440; TOPMed 0.14673; ESP Exome Variant Server 0.16254.
gnomAD v4.1: 304,235 of 1,613,892 alleles (19%); highest among the groups gnomAD compares: Non-Finnish European, 22%; 32,763 homozygotes.

Submissions (12):

Labcorp Genetics (formerly Invitae), Labcorp
Classification: Benign for Frontotemporal dementia. Last evaluated: 2026-02-04. Review status: criteria provided, single submitter. Criteria: Invitae Variant Classification Sherloc (09022015). Collection method: clinical testing. Allele origin: germline.

Mayo Clinic Laboratories, Mayo Clinic
Classification: Benign. Last evaluated: 2022-03-24. Review status: criteria provided, single submitter. Criteria: ACMG Guidelines, 2015. Collection method: clinical testing. Allele origin: germline. Observed: 356 variant alleles.

GeneDx
Classification: Benign. Last evaluated: 2018-08-11. Review status: criteria provided, single submitter. Criteria: GeneDx Variant Classification Process June 2021. Collection method: clinical testing. Allele origin: germline. Affected: yes.

Illumina Laboratory Services, Illumina
Classification: Benign for MAPT-Related Spectrum Disorders. Last evaluated: 2018-01-12. Review status: criteria provided, single submitter. Criteria: ICSL Variant Classification Criteria 13 December 2019. Collection method: clinical testing. Allele origin: germline.
Comment: This variant was observed in the ICSL laboratory as part of a predisposition screen in an ostensibly healthy population. It had not been previously curated by ICSL or reported in the Human Gene Mutation Database (HGMD: prior to June 1st, 2018), and was therefore a candidate for classification through an automated scoring system. Utilizing variant allele frequency, disease prevalence and penetrance estimates, and inheritance mode, an automated score was calculated to assess if this variant is too frequent to cause the disease. Based on the score and internal cut-off values, a variant classified as benign is not then subjected to further curation. The score for this variant resulted in a classification of benign for this disease.

Athena Diagnostics
Classification: Benign. Last evaluated: 2011-02-25. Review status: criteria provided, single submitter. Criteria: Athena Diagnostics Criteria. Collection method: clinical testing. Allele origin: germline.

Breakthrough Genomics
Classification: Benign. Review status: criteria provided, single submitter. Criteria: ACMG Guidelines, 2015. Collection method: not provided. Allele origin: germline. Inheritance: Autosomal recessive inheritance. Affected: yes.

PreventionGenetics, part of Exact Sciences
Classification: Benign. Review status: criteria provided, single submitter. Criteria: ACMG Guidelines, 2015. Collection method: clinical testing. Allele origin: germline.

Clinical Genetics DNA and cytogenetics Diagnostics Lab, Erasmus MC, Erasmus Medical Center
Classification: Benign. Review status: no assertion criteria provided. Collection method: clinical testing. Allele origin: germline. Affected: yes. Study: VKGL Data-share Consensus. Not counted in ClinVar's aggregate classification.

Clinical Genetics, Academic Medical Center
Classification: Benign. Review status: no assertion criteria provided. Collection method: clinical testing. Allele origin: germline. Affected: yes. Study: VKGL Data-share Consensus. Not counted in ClinVar's aggregate classification.

Genome Diagnostics Laboratory, Amsterdam University Medical Center
Classification: Benign. Review status: no assertion criteria provided. Collection method: clinical testing. Allele origin: germline. Affected: yes. Study: VKGL Data-share Consensus. Not counted in ClinVar's aggregate classification.

Joint Genome Diagnostic Labs from Nijmegen and Maastricht, Radboudumc and MUMC+
Classification: Benign. Review status: no assertion criteria provided. Collection method: clinical testing. Allele origin: germline. Affected: yes. Study: VKGL Data-share Consensus. Not counted in ClinVar's aggregate classification.

VIB  Department of Molecular Genetics, University of Antwerp
No classification provided. Review status: no classification provided. Collection method: not provided. Allele origin: not provided. Not counted in ClinVar's aggregate classification.

NM_001377265.1(MAPT):c.1704G>A (p.Pro568=)

Gene: MAPT (microtubule associated protein tau). Cytogenetic location: 17q21.31.
Variant type: single nucleotide variant.
Coding change: c.1704G>A on transcript NM_001377265.1 (MANE Select); coding-DNA position 1704, G replaced by A.
Protein change: p.Pro568=; no amino-acid change (proline 568 retained).
Molecular consequence: synonymous variant.
Genome position (GRCh38, 1-based): chr17:45,991,558, G>A. VCF-style: chr17-45991558-G-A. GRCh37 (hg19) VCF-style: chr17-44068924-G-A.
Other names: p.Pro176=; c.1479G>A, p.Pro493= (NM_001123066.4, NM_016835.5); c.441G>A, p.Pro147= (NM_001123067.4, NM_001203251.2, NM_001377267.1); c.528G>A, p.Pro176= (NM_001203252.2, NM_005910.6); c.1506G>A, p.Pro502= (NM_001377266.1); c.354G>A, p.Pro118= (NM_001377268.1, NM_016834.5, NM_016841.5).
Identifiers: ClinVar variation 98204 (VCV000098204.23), dbSNP rs1052551, ClinGen allele CA225401.